The following is an entry in ClinVar:

ClinVar aggregate classification (germline): Uncertain significance. Review status: criteria provided, multiple submitters, no conflicts (2 of 4 stars). 2 submissions from 2 submitters: Uncertain significance (2). Last evaluated 2025-11-14.

Conditions:
Inborn genetic diseases. Identifiers: MedGen C0950123, MeSH D030342.

Allele frequency attached by ClinVar (database versions not stated): ESP Exome Variant Server 0.00008; gnomAD 0.00011; TOPMed 0.00012; ExAC 0.00007.
gnomAD v4.1: 134 of 1,586,390 alleles (0.0084%); highest among the groups gnomAD compares: African/African-American, 0.03%; no homozygotes.

Submissions (2):

Mayo Clinic Laboratories, Mayo Clinic
Classification: Uncertain significance. Last evaluated: 2025-11-14. Review status: criteria provided, single submitter. Criteria: ACMG Guidelines, 2015. Collection method: clinical testing. Allele origin: germline. Observed: 1 variant allele.
Comment: BP4_moderate

Ambry Genetics
Classification: Uncertain significance for Inborn genetic diseases. Last evaluated: 2021-07-14. Review status: criteria provided, single submitter. Criteria: Ambry Variant Classification Scheme 2023. Collection method: clinical testing. Allele origin: germline.

NM_033305.3(VPS13A):c.3485C>T (p.Thr1162Met)

Gene: VPS13A (vacuolar protein sorting 13 homolog A; plus strand). Cytogenetic location: 9q21.2.
Variant type: single nucleotide variant.
Coding change: c.3485C>T on transcript NM_033305.3 (MANE Select); coding-DNA position 3485, C replaced by T.
Protein change: p.Thr1162Met; replaces threonine 1162 with methionine.
Molecular consequence: missense variant.
Genome position (GRCh38, 1-based): chr9:77,293,486, C>T. VCF-style: chr9-77293486-C-T. GRCh37 (hg19) VCF-style: chr9-79908402-C-T.
Other names: p.Thr1162Met; c.3368C>T, p.Thr1123Met (NM_001018037.2); c.3485C>T, p.Thr1162Met (NM_001018038.3, NM_015186.4); short protein forms T1123M, T1162M.
Identifiers: ClinVar variation 3188749 (VCV003188749.2), dbSNP rs140054548, ClinGen allele CA5092261.
Genomic context (GRCh38, chr9:77,293,486, plus strand): 5'-TGAATGTGGTTGACATTCAGGTTAATTTAATAGTTGGTTGCATTGAAGTAGTTTTTGTCA[C>T]GAAATTTCTATATTCTATATTGGTAAGTATTTTATTAAATTATTATTTATTTTATACTAA-3'
Protein context (NP_150648.2, residues 1152-1172): IVGCIEVVFV[Thr1162Met]KFLYSILAFI